The following is an entry in ClinVar:

ClinVar aggregate classification (germline): Conflicting classifications of pathogenicity. Review status: criteria provided, conflicting classifications (1 of 4 stars). 2 submissions from 2 submitters: Uncertain significance (1); Likely benign (1). Last evaluated 2025-12-30.

Conditions:
Inborn genetic diseases. Identifiers: MedGen C0950123, MeSH D030342.
Baller-Gerold syndrome (BGS). Also called: CRANIOSYNOSTOSIS WITH RADIAL DEFECTS. Identifiers: Orphanet 1225, MedGen C0265308, MONDO:0009039, OMIM 218600.

Allele frequency attached by ClinVar (database versions not stated): gnomAD 0.00001; TOPMed 0.00001.
gnomAD v4.1: 26 of 1,611,676 alleles (0.0016%); highest among the groups gnomAD compares: Non-Finnish European, 0.002%; no homozygotes.

Submissions (2):

Labcorp Genetics (formerly Invitae), Labcorp
Classification: Uncertain significance for Baller-Gerold syndrome. Last evaluated: 2025-12-30. Review status: criteria provided, single submitter. Criteria: Invitae Variant Classification Sherloc (09022015). Collection method: clinical testing. Allele origin: germline.
Comment: This sequence change replaces histidine, which is basic and polar, with arginine, which is basic and polar, at codon 362 of the RECQL4 protein (p.His362Arg). This variant is not present in population databases (gnomAD no frequency). This variant has not been reported in the literature in individuals affected with RECQL4-related conditions. ClinVar contains an entry for this variant (Variation ID: 459298). Invitae Evidence Modeling of protein sequence and biophysical properties (such as structural, functional, and spatial information, amino acid conservation, physicochemical variation, residue mobility, and thermodynamic stability) indicates that this missense variant is not expected to disrupt RECQL4 protein function with a negative predictive value of 80%. In summary, the available evidence is currently insufficient to determine the role of this variant in disease. Therefore, it has been classified as a Variant of Uncertain Significance.

Ambry Genetics
Classification: Likely benign for Inborn genetic diseases. Last evaluated: 2024-11-17. Review status: criteria provided, single submitter. Criteria: Ambry Variant Classification Scheme 2023. Collection method: clinical testing. Allele origin: germline.

NM_004260.4(RECQL4):c.1085A>G (p.His362Arg)

Gene: RECQL4 (RecQ like helicase 4; minus strand). Cytogenetic location: 8q24.3.
Variant type: single nucleotide variant.
Coding change: c.1085A>G on transcript NM_004260.4 (MANE Select); coding-DNA position 1085, A replaced by G.
Protein change: p.His362Arg; replaces histidine 362 with arginine.
Molecular consequence: missense variant.
Genome position (GRCh38, 1-based): chr8:144,516,034, T>C on the plus strand (A>G on the coding strand, the complement: RECQL4 is on the minus strand). VCF-style: chr8-144516034-T-C. GRCh37 (hg19) VCF-style: chr8-145741418-T-C.
Other names: short protein forms H362R.
Identifiers: ClinVar variation 459298 (VCV000459298.9), dbSNP rs1016687510, ClinGen allele CA187688322.
Genomic context (GRCh38, chr8:144,516,034, plus strand): 5'-CGTCGCTGTCTTACCTGCTTGCGGAGGAGCCTGCTACGGAGTGCCCGGCCCCGCACGTAG[T>C]GTTTCTGCTTCATGTTGAGCCGTACGTAATTGCCCCTGTCATGGCGGGCCAGCCGAGGGA-3'
Protein context (NP_004251.4, residues 352-372): NYVRLNMKQK[His362Arg]YVRGRALRSR